The following is an entry in ClinVar:

NM_001903.5(CTNNA1):c.919del (p.Glu307fs)

Gene: CTNNA1 (catenin alpha 1; plus strand). Cytogenetic location: 5q31.2.
Variant type: Deletion.
Coding change: c.919del on transcript NM_001903.5 (MANE Select); coding-DNA position 919, one base deleted (G; older notation c.919delG).
Protein change: p.Glu307fs; shifts the reading frame from glutamic acid 307.
Molecular consequence: frameshift variant.
Genome position (GRCh38, 1-based): chr5:138,827,575, G deleted; the last of 2 consecutive G bases (chr5:138,827,574-138,827,575); deleting either gives the same sequence. VCF-style (leftmost placement, unchanged base first): chr5-138827573-AG-A. GRCh37 (hg19) VCF-style: chr5-138163262-AG-A.
Other names: c.919del, p.Glu307fs (NM_001290307.3, NM_001323982.2, NM_001323983.1 and 3 more transcripts); c.610del, p.Glu204fs (NM_001290309.3); c.550del, p.Glu184fs (NM_001290310.3); short protein forms E184fs, E204fs, E307fs.
Identifiers: ClinVar variation 1011394 (VCV001011394.7), dbSNP rs1760848495, ClinGen allele CA1586036926.

ClinVar aggregate classification (germline): Pathogenic. Review status: criteria provided, multiple submitters, no conflicts (2 of 4 stars). 2 submissions from 2 submitters: Pathogenic (2). Last evaluated 2023-05-15.

Conditions:
Hereditary diffuse gastric adenocarcinoma (HDGC). Also called: DIFFUSE GASTRIC AND LOBULAR BREAST CANCER SYNDROME. Identifiers: Orphanet 26106, MedGen C1708349, MONDO:0007648, OMIM 137215.

Submissions (2):

Labcorp Genetics (formerly Invitae), Labcorp
Classification: Pathogenic. Last evaluated: 2023-05-15. Review status: criteria provided, single submitter. Criteria: Invitae Variant Classification Sherloc (09022015). Collection method: clinical testing. Allele origin: germline.
Comment: This variant has not been reported in the literature in individuals affected with CTNNA1-related conditions. This variant is not present in population databases (gnomAD no frequency). This sequence change creates a premature translational stop signal (p.Glu307Serfs*12) in the CTNNA1 gene. It is expected to result in an absent or disrupted protein product. Loss-of-function variants in CTNNA1 are known to be pathogenic (PMID: 32051609, 34425242). ClinVar contains an entry for this variant (Variation ID: 1011394). For these reasons, this variant has been classified as Pathogenic.

Myriad Genetics, Inc.
Classification: Pathogenic for Hereditary diffuse gastric adenocarcinoma. Last evaluated: 2023-01-17. Review status: criteria provided, single submitter. Criteria: Myriad Autosomal Dominant, Autosomal Recessive and X-Linked Classification Criteria (2023). Collection method: clinical testing. Allele origin: unknown.
Comment: This variant is considered pathogenic. This variant creates a frameshift predicted to result in premature protein truncation.

Literature cited by the submitters: PubMed 32051609 (cited by Labcorp Genetics (formerly Invitae), Labcorp); PubMed 34425242 (cited by Labcorp Genetics (formerly Invitae), Labcorp).